The following is an entry in ClinVar:

NM_016222.4(DDX41):c.28-2A>G

Gene: DDX41 (DEAD-box helicase 41; minus strand). Cytogenetic location: 5q35.3.
Variant type: single nucleotide variant.
Coding change: c.28-2A>G on transcript NM_016222.4 (MANE Select); the canonical splice acceptor site of the intron before coding-DNA position 28, A replaced by G.
Molecular consequence: splice acceptor variant.
Genome position (GRCh38, 1-based): chr5:177,516,837, T>C on the plus strand (A>G on the coding strand, the complement: DDX41 is on the minus strand). VCF-style: chr5-177516837-T-C. GRCh37 (hg19) VCF-style: chr5-176943838-T-C.
Other names: c.-420-2A>G (NM_001321830.2); c.-628-2A>G (NM_001321732.2).
Identifiers: ClinVar variation 4844599 (VCV004844599.1).

ClinVar aggregate classification (germline): Uncertain significance (1 of 4 stars; one submission).

Conditions:
Inborn genetic diseases. Identifiers: MedGen C0950123, MeSH D030342.

gnomAD v4.1: 1 of 1,612,958 alleles (0.000062%); highest among the groups gnomAD compares: Admixed American, 0.0017%; no homozygotes.

Submission:

Ambry Genetics
Classification: Uncertain significance for Inborn genetic diseases. Last evaluated: 2026-02-06. Review status: criteria provided, single submitter. Criteria: Ambry Variant Classification Scheme 2023. Collection method: clinical testing. Allele origin: germline.
Comment: The c.28-2A>G intronic variant results from an A to G substitution two nucleotides upstream from coding exon 2 in the DDX41 gene. This nucleotide position is highly conserved in available vertebrate species. In silico splice site analysis predicts that this alteration will weaken the native splice acceptor site; however, direct evidence is insufficient at this time (Ambry internal data). Based on the available evidence, the clinical significance of this variant remains unclear.